The following is an entry in ClinVar:

NM_005321.3(H1-4):c.466AAG[1] (p.Lys157del)

Gene: H1-4 (H1.4 linker histone, cluster member; plus strand). Cytogenetic location: 6p22.2.
Variant type: Microsatellite.
Coding change: c.466AAG[1] on transcript NM_005321.3 (MANE Select); one copy of the 3-base unit AAG starting at c.466; the reference has two copies in a row; one copy, 3 bases deleted; also written c.469_471del.
Protein change: p.Lys157del; deletes lysine 157.
Molecular consequence: inframe deletion.
Genome position (GRCh38, 1-based): chr6:26,156,859-26,156,861, AAG deleted; deleting any 3 consecutive bases within chr6:26,156,856-26,156,861 gives the same sequence; the position shown is the placement nearest the transcript's 3' end. VCF-style (leftmost placement, unchanged base first): chr6-26156855-AAAG-A. GRCh37 (hg19) VCF-style: chr6-26157083-AAAG-A.
Other names: c.469_471del (NM_005321.3); short protein forms K157del.
Identifiers: ClinVar variation 4074733 (VCV004074733.1).

ClinVar aggregate classification (germline): Uncertain significance (1 of 4 stars; one submission).

Conditions:
Rahman syndrome. Also called: HIST1H1E Syndrome. Identifiers: Orphanet 642763, MedGen C4479637, MONDO:0044323, OMIM 617537.

Submission:

Institute of Immunology and Genetics Kaiserslautern
Classification: Uncertain significance for Rahman syndrome. Last evaluated: 2025-06-04. Review status: criteria provided, single submitter. Criteria: ACMG Guidelines, 2015. Collection method: clinical testing. Allele origin: germline. Affected: yes.
Comment: ACMG Criteria: PM2, PM4; Variant was found in heterozygous state.